The following is an entry in ClinVar:

ClinVar aggregate classification (germline): Pathogenic/Likely pathogenic. Review status: criteria provided, multiple submitters, no conflicts (2 of 4 stars). 7 submissions from 7 submitters: Pathogenic (4); Likely pathogenic (3). Last evaluated 2026-04-16.

Conditions:
Hereditary factor VIII deficiency disease (HEMA). Also called: Hemophilia A; AUTOSOMAL HEMOPHILIA A; HEMOPHILIA, CLASSIC; Hemophilia A, congenital; HEM A; Factor 8 deficiency, congenital. Identifiers: Orphanet 98878, MedGen C0019069, MONDO:0010602, OMIM 306700.
Thrombophilia, X-linked, due to factor 8 defect. Also called: THROMBOPHILIA, X-LINKED, DUE TO FACTOR VIII DEFECT; Thrombophilia 13, X-linked, due to factor VIII defect. Identifiers: MedGen C5676879, MONDO:0859082, OMIM 301071.

Allele frequency attached by ClinVar (database versions not stated): gnomAD exomes 0.00002; gnomAD 0.00005; TOPMed 0.00006.
gnomAD v4.1: 13 of 1,209,693 alleles (0.0011%); highest among the groups gnomAD compares: Admixed American, 0.0088%; no homozygotes.

Submissions (7):

Myriad Genetics, Inc.
Classification: Likely pathogenic for Hereditary factor VIII deficiency disease. Last evaluated: 2026-04-16. Review status: criteria provided, single submitter. Criteria: Myriad Autosomal Dominant, Autosomal Recessive and X-Linked Classification Criteria (2023). Collection method: clinical testing. Allele origin: unknown.
Comment: NM_000132.3(F8):c.2150G>A(R717Q) is a missense variant classified as likely pathogenic in the context of hemophilia A. R717Q has been observed in cases with relevant disease (PMID: 16769589, 29296726, 36833187, 39125936, 23926300). Relevant functional assessments of this variant are not available in the literature. R717Q has been observed in referenced population frequency databases. In summary, NM_000132.3(F8):c.2150G>A(R717Q) is a missense variant that has been observed more frequently in cases with the relevant disease than in healthy populations. Please note: this variant was assessed in the context of healthy population screening.

Fulgent Genetics
Classification: Pathogenic for Thrombophilia, X-linked, due to factor 8 defect; Hereditary factor VIII deficiency disease. Last evaluated: 2024-03-08. Review status: criteria provided, single submitter. Criteria: ACMG Guidelines, 2015. Collection method: clinical testing. Allele origin: germline.

ARUP Laboratories, Molecular Genetics and Genomics, ARUP Laboratories
Classification: Pathogenic. Last evaluated: 2023-08-25. Review status: criteria provided, single submitter. Criteria: ARUP Molecular Germline Variant Investigation Process 2024. Collection method: clinical testing. Allele origin: germline.
Comment: The F8 c.2150G>A; p.Arg717Gln variant (rs942909873), also known as Arg698Gln, has been reported in multiple individuals with mild hemophilia A (see link to F8 database and references therein, David 2006). It is observed in the general population at a low overall frequency of 0.0017% (3/181547 alleles, 1 hemizygote) in the Genome Aggregation Database, indicating it is not a common polymorphism. The arginine at residue 717 is highly conserved, and other missense variants at this position (p.Arg717Trp, p.Arg717Leu, and p.Arg717Pro) have also been reported in individuals with hemophilia A (see link to F8 database and references therein, Markoff 2009). Based on the available information, the p.Arg717Gln variant is considered pathogenic. REFERENCES Factor VIII variant database: David D et al. The spectrum of mutations and molecular pathogenesis of hemophilia A in 181 Portuguese patients. Haematologica. 2006; 91(6):840-3. PMID: 16769589 Markoff A et al. Combined homology modelling and evolutionary significance evaluation of missense mutations in blood clotting factor VIII to highlight aspects of structure and function. Haemophilia. 2009; 15(4):932-41. PMID: 19473423

Women's Health and Genetics/Laboratory Corporation of America, LabCorp
Classification: Pathogenic for Hereditary factor VIII deficiency disease. Last evaluated: 2023-05-04. Review status: criteria provided, single submitter. Criteria: LabCorp Variant Classification Summary - May 2015. Collection method: clinical testing. Allele origin: germline.
Comment: Variant summary: F8 c.2150G>A (p.Arg717Gln) results in a conservative amino acid change in the encoded protein sequence. Four of five in-silico tools predict a damaging effect of the variant on protein function. The variant allele was found at a frequency of 1.7e-05 in 181547 control chromosomes (gnomAD). c.2150G>A has been reported in the literature in multiple individuals affected with mild Factor VIII Deficiency (Hemophilia A) (examples: Oldenburg_2001, David_2006, Markoff_2009, Eckhardt_2013, Provaznikova_2015). These data indicate that the variant is very likely to be associated with disease. To our knowledge, no experimental evidence demonstrating an impact on protein function has been reported. In addition, other missense variants at the same codon, R717L and R717W, has been classified as pathogenic in ClinVar, indicating the arginine residue is critical for F8 protein function. The following publications have been ascertained in the context of this evaluation (PMID: 16769589, 23926300, 25824987, 19473423, 11179760, 25955082). Four clinical diagnostic laboratories have submitted clinical-significance assessments for this variant to ClinVar after 2014 without evidence for independent evaluation. All laboratories classified the variant as pathogenic (n=3) or likely pathogenic (n=1). Based on the evidence outlined above, the variant was classified as pathogenic.

Mendelics
Classification: Pathogenic for Thrombophilia, X-linked, due to factor 8 defect. Last evaluated: 2022-05-04. Review status: criteria provided, single submitter. Criteria: Mendelics Assertion Criteria 2019. Collection method: clinical testing. Allele origin: germline.

Genetics and Molecular Pathology, SA Pathology
Classification: Likely pathogenic for Hereditary factor VIII deficiency disease. Last evaluated: 2022-02-10. Review status: criteria provided, single submitter. Criteria: ACMG Guidelines, 2015. Collection method: clinical testing. Allele origin: germline. Inheritance: X-linked recessive inheritance. Affected: yes.

Juno Genomics, Hangzhou Juno Genomics, Inc
Classification: Likely pathogenic for Thrombophilia, X-linked, due to factor 8 defect; Hereditary factor VIII deficiency disease. Review status: criteria provided, single submitter. Criteria: ACMG Guidelines, 2015. Collection method: clinical testing. Allele origin: germline.
Comment: Multiple lines of computational evidence support a deleterious effect on the gene or gene product.;Novel missense change at an amino acid residue where a different missense change determined to be pathogenic has been seen before.;The prevalence of the variant in affected individuals is significantly increased compared to the prevalence in controls.

Literature cited by the submitters: PubMed 16769589 (cited by Myriad Genetics, Inc. and Women's Health and Genetics/Laboratory Corporation of America, LabCorp); PubMed 23926300 (cited by Myriad Genetics, Inc. and Women's Health and Genetics/Laboratory Corporation of America, LabCorp); PubMed 29296726 (cited by Myriad Genetics, Inc.); PubMed 36833187 (cited by Myriad Genetics, Inc.); PubMed 39125936 (cited by Myriad Genetics, Inc.); PubMed 25824987 (cited by Women's Health and Genetics/Laboratory Corporation of America, LabCorp); PubMed 19473423 (cited by Women's Health and Genetics/Laboratory Corporation of America, LabCorp); PubMed 11179760 (cited by Women's Health and Genetics/Laboratory Corporation of America, LabCorp); PubMed 25955082 (cited by Women's Health and Genetics/Laboratory Corporation of America, LabCorp).

NM_000132.4(F8):c.2150G>A (p.Arg717Gln)

Gene: F8 (coagulation factor VIII; minus strand). Cytogenetic location: Xq28.
Variant type: single nucleotide variant.
Coding change: c.2150G>A on transcript NM_000132.4 (MANE Select); coding-DNA position 2150, G replaced by A.
Protein change: p.Arg717Gln; replaces arginine 717 with glutamine.
Molecular consequence: missense variant.
Genome position (GRCh38, 1-based): chrX:154,931,640, C>T on the plus strand (G>A on the coding strand, the complement: F8 is on the minus strand). VCF-style: chrX-154931640-C-T. GRCh37 (hg19) VCF-style: chrX-154159915-C-T.
Other names: c.2150G>A (NM_000132.3); short protein forms R717Q.
Identifiers: ClinVar variation 810977 (VCV000810977.19), dbSNP rs942909873, ClinGen allele CA337325910.
Genomic context (GRCh38, chrX:154,931,640, plus strand): 5'-TAATCACCAGTGTTCTTGTCACAACTAGAAACCTTCAGTAAGGCGGTCATGCCTCTGTTC[C>T]GAAAGTCTGAGTTGTGGCACCCCAGAATCCATAGACCTGGAGATGAGGAAGAATAAGACT-3'
Protein context (NP_000123.1, residues 707-727): WILGCHNSDF[Arg717Gln]NRGMTALLKV